The following is an entry in ClinVar:

ClinVar aggregate classification (germline): Uncertain significance (1 of 4 stars; one submission).

Conditions:
Gorlin syndrome. Also called: Basal cell nevus syndrome; Nevoid Basal Cell Carcinoma Syndrome. Identifiers: Orphanet 377, MedGen C0004779, MONDO:0007187.

Submission:

Labcorp Genetics (formerly Invitae), Labcorp
Classification: Uncertain significance for Gorlin syndrome. Last evaluated: 2025-01-15. Review status: criteria provided, single submitter. Criteria: Invitae Variant Classification Sherloc (09022015). Collection method: clinical testing. Allele origin: germline.
Comment: This sequence change replaces serine, which is neutral and polar, with proline, which is neutral and non-polar, at codon 331 of the PTCH1 protein (p.Ser331Pro). This variant is not present in population databases (gnomAD no frequency). This variant has not been reported in the literature in individuals affected with PTCH1-related conditions. Invitae Evidence Modeling of protein sequence and biophysical properties (such as structural, functional, and spatial information, amino acid conservation, physicochemical variation, residue mobility, and thermodynamic stability) has been performed for this missense variant. However, the output from this modeling did not meet the statistical confidence thresholds required to predict the impact of this variant on PTCH1 protein function. In summary, the available evidence is currently insufficient to determine the role of this variant in disease. Therefore, it has been classified as a Variant of Uncertain Significance.

NM_000264.5(PTCH1):c.991T>C (p.Ser331Pro)

Gene: PTCH1 (patched 1; minus strand). Cytogenetic location: 9q22.32.
Variant type: single nucleotide variant.
Coding change: c.991T>C on transcript NM_000264.5 (MANE Select); coding-DNA position 991, T replaced by C.
Protein change: p.Ser331Pro; replaces serine 331 with proline.
Molecular consequence: missense variant. On other transcripts: non-coding transcript variant (1).
Genome position (GRCh38, 1-based): chr9:95,480,045, A>G on the plus strand (T>C on the coding strand, the complement: PTCH1 is on the minus strand). VCF-style: chr9-95480045-A-G. GRCh37 (hg19) VCF-style: chr9-98242327-A-G.
Other names: c.793T>C, p.Ser265Pro (NM_001083602.3); c.988T>C, p.Ser330Pro (NM_001083603.3); c.538T>C, p.Ser180Pro (NM_001083604.3, NM_001083605.3, NM_001083606.3 and 1 more transcripts); c.991T>C, p.Ser331Pro (NM_001354918.2); short protein forms S331P, S180P, S265P, S330P.
Identifiers: ClinVar variation 3681210 (VCV003681210.2).
Genomic context (GRCh38, chr9:95,480,045, plus strand): 5'-TGCTGTTCTTGACTGTGCCACCCACAATCAACTCCTCCTGCCAGTGCATATACTTTCTGG[A>G]TAAGCCATGACATCCACCATTCAAAACAAGGGCCATATCAAGAGGCTAAAATAAAAAGAC-3'
Protein context (NP_000255.2, residues 321-341): LVLNGGCHGL[Ser331Pro]RKYMHWQEEL